The following is an entry in ClinVar:

ClinVar aggregate classification (germline): Uncertain significance. Review status: criteria provided, multiple submitters, no conflicts (2 of 4 stars). 2 submissions from 2 submitters: Uncertain significance (2). Last evaluated 2023-12-19.

Conditions:
Inborn genetic diseases. Identifiers: MedGen C0950123, MeSH D030342.

Allele frequency attached by ClinVar (database versions not stated): ExAC 0.00002; TOPMed 0.00003; gnomAD exomes 0.00004 and 0.00008; gnomAD 0.00005 and 0.00006.
gnomAD v4.1: 132 of 1,613,430 alleles (0.0082%); highest among the groups gnomAD compares: Non-Finnish European, 0.01%; no homozygotes.

Submissions (2):

Ambry Genetics
Classification: Uncertain significance for Inborn genetic diseases. Last evaluated: 2023-12-19. Review status: criteria provided, single submitter. Criteria: Ambry Variant Classification Scheme 2023. Collection method: clinical testing. Allele origin: germline.

Labcorp Genetics (formerly Invitae), Labcorp
Classification: Uncertain significance. Last evaluated: 2022-10-13. Review status: criteria provided, single submitter. Criteria: Invitae Variant Classification Sherloc (09022015). Collection method: clinical testing. Allele origin: germline.
Comment: In summary, the available evidence is currently insufficient to determine the role of this variant in disease. Therefore, it has been classified as a Variant of Uncertain Significance. ClinVar contains an entry for this variant (Variation ID: 1501262). This variant has not been reported in the literature in individuals affected with ATP8A2-related conditions. Advanced modeling of protein sequence and biophysical properties (such as structural, functional, and spatial information, amino acid conservation, physicochemical variation, residue mobility, and thermodynamic stability) performed at Invitae indicates that this missense variant is not expected to disrupt ATP8A2 protein function. This variant is present in population databases (rs763604659, gnomAD 0.006%). This sequence change replaces alanine, which is neutral and non-polar, with valine, which is neutral and non-polar, at codon 761 of the ATP8A2 protein (p.Ala761Val).

NM_016529.6(ATP8A2):c.2282C>T (p.Ala761Val)

Gene: ATP8A2 (ATPase phospholipid transporting 8A2). Cytogenetic location: 13q12.13.
Variant type: single nucleotide variant.
Coding change: c.2282C>T on transcript NM_016529.6 (MANE Select); coding-DNA position 2282, C replaced by T.
Protein change: p.Ala761Val; replaces alanine 761 with valine.
Molecular consequence: missense variant.
Genome position (GRCh38, 1-based): chr13:25,699,243, C>T. VCF-style: chr13-25699243-C-T. GRCh37 (hg19) VCF-style: chr13-26273381-C-T.
Other names: c.2162C>T, p.Ala721Val (NM_001313741.1); c.2282C>T (NM_016529.4); short protein forms A761V, A721V.
Identifiers: ClinVar variation 1501262 (VCV001501262.9), dbSNP rs763604659, ClinGen allele CA6923270.
Genomic context (GRCh38, chr13:25,699,243, plus strand): 5'-CAGCCATTACTCAGCACTGCACTGACCTTGGGAATTTGCTGGGCAAGGAAAATGACGTGG[C>T]CCTGATCATCGATGGCCACACCCTGAAGTACGCGCTCTCCTTCGAAGTCCGGAGGAGTTT-3'
Protein context (NP_057613.4, residues 751-771): GNLLGKENDV[Ala761Val]LIIDGHTLKY